The following is an entry in ClinVar:

ClinVar aggregate classification (germline): Uncertain significance. Review status: criteria provided, multiple submitters, no conflicts (2 of 4 stars). 2 submissions from 2 submitters: Uncertain significance (2). Last evaluated 2025-11-25.

Conditions:
Fanconi anemia (FA). Also called: Fanconi's anemia. Identifiers: Orphanet 84, MedGen C0015625, MeSH D005199, MONDO:0019391.

gnomAD v4.1: 3 of 1,611,828 alleles (0.00019%); highest among the groups gnomAD compares: Non-Finnish European, 0.00025%; no homozygotes.

Submissions (2):

Labcorp Genetics (formerly Invitae), Labcorp
Classification: Uncertain significance for Fanconi anemia. Last evaluated: 2025-11-25. Review status: criteria provided, single submitter. Criteria: Invitae Variant Classification Sherloc (09022015). Collection method: clinical testing. Allele origin: germline.
Comment: This sequence change replaces alanine, which is neutral and non-polar, with threonine, which is neutral and polar, at codon 82 of the FANCC protein (p.Ala82Thr). This variant is not present in population databases (gnomAD no frequency). This variant has not been reported in the literature in individuals affected with FANCC-related conditions. ClinVar contains an entry for this variant (Variation ID: 3369162). Invitae Evidence Modeling of protein sequence and biophysical properties (such as structural, functional, and spatial information, amino acid conservation, physicochemical variation, residue mobility, and thermodynamic stability) has been performed for this missense variant. However, the output from this modeling did not meet the statistical confidence thresholds required to predict the impact of this variant on FANCC protein function. In summary, the available evidence is currently insufficient to determine the role of this variant in disease. Therefore, it has been classified as a Variant of Uncertain Significance.

GeneDx
Classification: Uncertain significance. Last evaluated: 2024-02-14. Review status: criteria provided, single submitter. Criteria: GeneDx Variant Classification Process June 2021. Collection method: clinical testing. Allele origin: germline. Affected: yes.
Comment: Not observed at significant frequency in large population cohorts (gnomAD); In silico analysis supports that this missense variant has a deleterious effect on protein structure/function; Has not been previously published as pathogenic or benign to our knowledge; This variant is associated with the following publications: (PMID: Gordon2000[Book])

NM_000136.3(FANCC):c.244G>A (p.Ala82Thr)

Gene: FANCC (FA complementation group C; minus strand). Cytogenetic location: 9q22.32.
Variant type: single nucleotide variant.
Coding change: c.244G>A on transcript NM_000136.3 (MANE Select); coding-DNA position 244, G replaced by A.
Protein change: p.Ala82Thr; replaces alanine 82 with threonine.
Molecular consequence: missense variant.
Genome position (GRCh38, 1-based): chr9:95,247,438, C>T on the plus strand (G>A on the coding strand, the complement: FANCC is on the minus strand). VCF-style: chr9-95247438-C-T. GRCh37 (hg19) VCF-style: chr9-98009720-C-T.
Other names: c.244G>A, p.Ala82Thr (NM_001243743.2, NM_001243744.2); short protein forms A82T.
Identifiers: ClinVar variation 3369162 (VCV003369162.2).